The following is an entry in ClinVar:

NM_001009944.3(PKD1):c.6727C>T (p.Gln2243Ter)

Gene: PKD1 (polycystin 1, transient receptor potential channel interacting; minus strand). Cytogenetic location: 16p13.3.
Variant type: single nucleotide variant.
Coding change: c.6727C>T on transcript NM_001009944.3 (MANE Select); coding-DNA position 6727, C replaced by T.
Protein change: p.Gln2243Ter; replaces glutamine 2243 with a stop codon.
Molecular consequence: nonsense.
Genome position (GRCh38, 1-based): chr16:2,108,440, G>A on the plus strand (C>T on the coding strand, the complement: PKD1 is on the minus strand). VCF-style: chr16-2108440-G-A. GRCh37 (hg19) VCF-style: chr16-2158441-G-A.
Other names: c.6727C>T, p.Gln2243Ter (NM_000296.4); short protein forms Q2243*.
Identifiers: ClinVar variation 586289 (VCV000586289.5), dbSNP rs1567191609, ClinGen allele CA394373007.
Genomic context (GRCh38, chr16:2,108,440, plus strand): 5'-CACCCTCAATGATGGGCACCAGGCGCTCGGGGGCCACCGTCACATTGGCCTGGATGCTCT[G>A]TGTCAGTGGCGTGTCCCCAAATGACACGACAAACACAAAGCAGTAGTGCCCCACAGGCAG-3'

ClinVar aggregate classification (germline): Pathogenic. Review status: criteria provided, multiple submitters, no conflicts (2 of 4 stars). 5 submissions from 5 submitters: Pathogenic (5). Last evaluated 2026-07-07.

Conditions:
Polycystic kidney disease, adult type (PKD1). Also called: Polycystic Kidney Disease 1, Autosomal Dominant; Polycystic kidney disease 1; Polycystic kidney disease 1, severe; POLYCYSTIC KIDNEY DISEASE 1 WITH OR WITHOUT POLYCYSTIC LIVER DISEASE; POLYCYSTIC KIDNEY DISEASE, ADULT, TYPE I; Polycystic Kidney, Autosomal Dominant. Identifiers: MedGen C3149841, MONDO:0008263, OMIM 173900.

Allele frequency attached by ClinVar (database versions not stated): gnomAD exomes below 0.00001.
gnomAD v4.1: 1 of 1,610,540 alleles (0.000062%); highest among the groups gnomAD compares: Non-Finnish European, 0.000085%; no homozygotes.

Submissions (5):

Medgenome Labs Ltd
Classification: Pathogenic for Polycystic kidney disease, adult type. Last evaluated: 2026-07-07. Review status: criteria provided, single submitter. Criteria: ACMG Guidelines, 2015. Collection method: clinical testing. Allele origin: germline. Affected: yes.

Women's Health and Genetics/Laboratory Corporation of America, LabCorp
Classification: Pathogenic for Polycystic kidney disease, adult type. Last evaluated: 2026-02-04. Review status: criteria provided, single submitter. Criteria: LabCorp Variant Classification Summary - May 2015. Collection method: clinical testing. Allele origin: germline.
Comment: Variant summary: PKD1 c.6727C>T (p.Gln2243X) results in a premature termination codon, predicted to cause absence of the protein due to nonsense mediated decay, which is a commonly known mechanism for disease. The variant was absent in 248000 control chromosomes (gnomAD). c.6727C>T has been observed in individuals affected with Polycystic Kidney Disease 1 (e.g., Rossetti _2001). The following publication has been ascertained in the context of this evaluation (PMID: 11115377). ClinVar contains an entry for this variant (Variation ID: 586289). Based on the evidence outlined above, the variant was classified as pathogenic.

Fulgent Genetics
Classification: Pathogenic for Polycystic kidney disease, adult type. Last evaluated: 2024-02-14. Review status: criteria provided, single submitter. Criteria: ACMG Guidelines, 2015. Collection method: clinical testing. Allele origin: germline.

GeneDx
Classification: Pathogenic. Last evaluated: 2022-12-05. Review status: criteria provided, single submitter. Criteria: GeneDx Variant Classification Process June 2021. Collection method: clinical testing. Allele origin: germline. Affected: yes.
Comment: Nonsense variant predicted to result in protein truncation or nonsense mediated decay in a gene for which loss-of-function is a known mechanism of disease; Not observed at a significant frequency in large population cohorts (gnomAD); This variant is associated with the following publications: (PMID: 25525159, 21551026, 11115377, Ali2022[paper], Hosseinpour2022[paper])

Athena Diagnostics
Classification: Pathogenic. Last evaluated: 2018-04-16. Review status: criteria provided, single submitter. Criteria: Athena Diagnostics Criteria. Collection method: clinical testing. Allele origin: germline.

Literature cited by the submitters: PubMed 11115377 (cited by Women's Health and Genetics/Laboratory Corporation of America, LabCorp and Athena Diagnostics); PubMed 11961010 (cited by Athena Diagnostics); PubMed 25880449 (cited by Athena Diagnostics).